The following is an entry in ClinVar:

ClinVar aggregate classification (germline): Uncertain significance. Review status: criteria provided, multiple submitters, no conflicts (2 of 4 stars). 4 submissions from 4 submitters: Uncertain significance (3). 1 of the submissions does not count toward it. Last evaluated 2025-11-13.

Conditions:
SQSTM1-related disorder. Also called: SQSTM1-Related Disorders.
Frontotemporal dementia and/or amyotrophic lateral sclerosis 1 (FTDALS1). Also called: Frontotemporal dementia with motor neuron disease 1; C9orf72 Frontotemporal Dementia and/or Amyotrophic Lateral Sclerosis. Identifiers: Orphanet 275872, MedGen C5779877, MONDO:0007105, OMIM 105550.
Paget disease of bone 2, early-onset (PDB2). Also called: Paget disease of bone 2. Identifiers: MedGen C4085251, MONDO:0011183, OMIM 602080.

Allele frequency attached by ClinVar (database versions not stated): gnomAD exomes below 0.00001 and 0.00001; TOPMed below 0.00001; ExAC 0.00001; gnomAD 0.00001.

Submissions (4):

Labcorp Genetics (formerly Invitae), Labcorp
Classification: Uncertain significance for Paget disease of bone 2, early-onset; Frontotemporal dementia and/or amyotrophic lateral sclerosis 1. Last evaluated: 2025-11-13. Review status: criteria provided, single submitter. Criteria: Invitae Variant Classification Sherloc (09022015). Collection method: clinical testing. Allele origin: germline.
Comment: This sequence change replaces leucine, which is neutral and non-polar, with valine, which is neutral and non-polar, at codon 268 of the SQSTM1 protein (p.Leu268Val). This variant is present in population databases (rs753685955, gnomAD 0.002%). This missense change has been observed in individual(s) with Alzheimer's disease or amyotrophic lateral sclerosis (PMID: 25796131, 32397312). ClinVar contains an entry for this variant (Variation ID: 542158). Invitae Evidence Modeling of protein sequence and biophysical properties (such as structural, functional, and spatial information, amino acid conservation, physicochemical variation, residue mobility, and thermodynamic stability) indicates that this missense variant is not expected to disrupt SQSTM1 protein function with a negative predictive value of 80%. In summary, the available evidence is currently insufficient to determine the role of this variant in disease. Therefore, it has been classified as a Variant of Uncertain Significance.

CeGaT Center for Human Genetics Tuebingen
Classification: Uncertain significance. Last evaluated: 2025-01-01. Review status: criteria provided, single submitter. Criteria: CeGaT Center For Human Genetics Tuebingen Variant Classification Criteria Version 2. Collection method: clinical testing. Allele origin: germline. Affected: yes. Observed: 2 variant alleles.
Comment: SQSTM1: PM2, BP4

Mayo Clinic Laboratories, Mayo Clinic
Classification: Uncertain significance. Last evaluated: 2023-02-23. Review status: criteria provided, single submitter. Criteria: ACMG Guidelines, 2015. Collection method: clinical testing. Allele origin: germline. Observed: 1 variant allele.
Comment: BP4

PreventionGenetics, part of Exact Sciences
Classification: Uncertain significance for SQSTM1-related condition. Last evaluated: 2024-01-02. Review status: no assertion criteria provided. Collection method: clinical testing. Allele origin: germline. Not counted in ClinVar's aggregate classification.
Comment: The SQSTM1 c.802C>G variant is predicted to result in the amino acid substitution p.Leu268Val. This variant has been reported with uncertain significance in an individual with early onset Alzheimer disease and an individual with familial amyotrophic lateral sclerosis; in both individuals, additional variants were reported (Table 3, Cuyvers E et al. 2015. PubMed ID: 25796131; Table 2, Scarlino S et al. 2020. PubMed ID: 32397312). This variant is reported in 0.0015% of alleles in individuals of European (Non-Finnish) descent in gnomAD. At this time, the clinical significance of this variant is uncertain due to the absence of conclusive functional and genetic evidence.

Literature cited by the submitters: PubMed 25796131 (cited by Labcorp Genetics (formerly Invitae), Labcorp and Mayo Clinic Laboratories, Mayo Clinic); PubMed 32397312 (cited by Labcorp Genetics (formerly Invitae), Labcorp and Mayo Clinic Laboratories, Mayo Clinic).

NM_003900.5(SQSTM1):c.802C>G (p.Leu268Val)

Gene: SQSTM1 (sequestosome 1; plus strand). Cytogenetic location: 5q35.3.
Variant type: single nucleotide variant.
Coding change: c.802C>G on transcript NM_003900.5 (MANE Select); coding-DNA position 802, C replaced by G.
Protein change: p.Leu268Val; replaces leucine 268 with valine.
Molecular consequence: missense variant.
Genome position (GRCh38, 1-based): chr5:179,833,079, C>G. VCF-style: chr5-179833079-C-G. GRCh37 (hg19) VCF-style: chr5-179260079-C-G.
Other names: p.Leu268Val; c.550C>G, p.Leu184Val (NM_001142298.2, NM_001142299.2); short protein forms L184V, L268V.
Identifiers: ClinVar variation 542158 (VCV000542158.27), dbSNP rs753685955, ClinGen allele CA3600687.
Genomic context (GRCh38, chr5:179,833,079, plus strand): 5'-CCTCCGCCTCTAGGCATTGAAGTTGATATCGATGTGGAGCACGGAGGGAAAAGAAGCCGC[C>G]TGACCCCCGTCTCTCCAGAGAGTTCCAGCACAGAGGAGAAGAGCAGCTCACAGCCAAGCA-3'
Protein context (NP_003891.1, residues 258-278): DVEHGGKRSR[Leu268Val]TPVSPESSST